The following is an entry in ClinVar:

ClinVar aggregate classification (germline): Pathogenic. Review status: criteria provided, multiple submitters, no conflicts (2 of 4 stars). 6 submissions from 6 submitters: Pathogenic (6). Last evaluated 2025-05-22.

Conditions:
Blepharophimosis - intellectual disability syndrome, SBBYS type (SBBYSS). Also called: Say-Barber-Biesecker-Young-Simpson variant of Ohdo Syndrome; Say-Barber-Biesecker Variant of Ohdo Syndrome; Ohdo syndrome, SBBYS variant; SBBYSS syndrome; Say-Barber-Biesecker variant of Ohdo syndrome (SBBYSS); Say-Barber-Biesecker-Young-Simpson syndrome. Identifiers: Orphanet 3047, MedGen C1863557, MONDO:0011365, OMIM 603736.
KAT6B-related disorder. Also called: KAT6B-related disorders; KAT6B-related condition.
Neurodevelopmental disorder. Identifiers: MedGen C1535926, MeSH D065886, MONDO:0700092.

Submissions (6):

3billion
Classification: Pathogenic for KAT6B-related disorder. Last evaluated: 2025-05-22. Review status: criteria provided, single submitter. Criteria: ACMG Guidelines, 2015. Collection method: clinical testing. Allele origin: germline. Affected: yes.
Comment: The variant is not observed in the gnomAD v4.1.0 dataset. Predicted Consequence/Location: Frameshift: predicted to result in a loss or disruption of normal protein function through nonsense-mediated decay (NMD) or protein truncation. Multiple pathogenic variants are reported downstream of the variant. The variant has been previously reported as de novo in a similarly affected individual (PMID: 32391291). The variant has been reported at least twice as pathogenic with clinical assertions and evidence for the classification (ClinVar ID: VCV000992857 /PMID: 32391291). Therefore, this variant is classified as Pathogenic according to the recommendation of ACMG/AMP guideline.

Institute of Medical Genetics and Applied Genomics, University Hospital Tübingen
Classification: Pathogenic for Blepharophimosis - intellectual disability syndrome, SBBYS type. Last evaluated: 2025-02-28. Review status: criteria provided, single submitter. Criteria: ACMG Guidelines, 2015. Collection method: clinical testing. Allele origin: germline. Inheritance: Autosomal dominant inheritance. Affected: yes.

Victorian Clinical Genetics Services, Murdoch Childrens Research Institute
Classification: Pathogenic for Blepharophimosis - intellectual disability syndrome, SBBYS type. Last evaluated: 2023-07-16. Review status: criteria provided, single submitter. Criteria: ACMG Guidelines, 2015. Collection method: clinical testing. Allele origin: germline. Inheritance: Autosomal dominant inheritance. Affected: yes.
Comment: Based on the classification scheme VCGS_Germline_v1.3.4, this variant is classified as Pathogenic. Following criteria are met: 0103 - Loss of function and gain of function are proposed mechanisms of disease in this gene and are associated with Say-Barber-Biesecker-Young-Simpson syndrome (SBBYSS; MIM#603736) and genitopatellar syndrome (GPS; MIM#606170), respectively (PMID: 22715153). (I) 0107 - This gene is associated with autosomal dominant disease. GPS is associated with variants in the 5' portion of the final exon, while SBBYSS is associated with variants in the remainder of the gene (PMID: 32424177). (I) 0201 - Variant is predicted to cause nonsense-mediated decay (NMD) and loss of protein (premature termination codon is located at least 54 nucleotides upstream of the final exon-exon junction). (SP) 0251 - This variant is heterozygous. (I) 0301 - Variant is absent from gnomAD (both v2 and v3). (SP) 0701 - Other NMD predicted variants comparable to the one identified in this case have very strong previous evidence for pathogenicity (DECIPHER). (SP) 0801 - This variant has strong previous evidence of pathogenicity in unrelated individuals. This variant has been classified as pathogenic by several clinical laboratories in ClinVar, and has been observed as de novo in two individuals with SBBYSS in the literature (PMIDs: 34519438, 32391291). (SP) 1208 - Inheritance information for this variant is not currently available in this individual. (I) Legend: (SP) - Supporting pathogenic, (I) - Information, (SB) - Supporting benign

Laboratory of Molecular Genetics (Pr. Bezieau's lab), CHU de Nantes
Classification: Pathogenic for Neurodevelopmental disorder. Last evaluated: 2020-11-23. Review status: criteria provided, single submitter. Criteria: ACMG Guidelines, 2015. Collection method: clinical testing. Allele origin: germline. Affected: yes.

GeneDx
Classification: Pathogenic. Last evaluated: 2020-05-05. Review status: criteria provided, single submitter. Criteria: GeneDx Variant Classification Process June 2021. Collection method: clinical testing. Allele origin: germline. Affected: yes.
Comment: Has not been previously published as pathogenic or benign to our knowledge; Frameshift variant predicted to result in protein truncation or nonsense mediated decay in a gene for which loss-of-function is a known mechanism of disease; Not observed in large population cohorts (Lek et al., 2016); This variant is associated with the following publications: (PMID: 32391291)

Laboratoire de Génétique Moléculaire, CHU Bordeaux
Classification: Pathogenic. Review status: criteria provided, single submitter. Criteria: ACMG Guidelines, 2015. Collection method: clinical testing. Allele origin: germline. Affected: yes.

Literature cited by the submitters: PubMed 32391291 (cited by 3billion and Victorian Clinical Genetics Services, Murdoch Childrens Research Institute); PubMed 22715153 (cited by Victorian Clinical Genetics Services, Murdoch Childrens Research Institute); PubMed 32424177 (cited by Victorian Clinical Genetics Services, Murdoch Childrens Research Institute); PubMed 34519438 (cited by Victorian Clinical Genetics Services, Murdoch Childrens Research Institute).

NM_012330.4(KAT6B):c.3349_3350del (p.Gln1117fs)

Gene: KAT6B (lysine acetyltransferase 6B; plus strand). Cytogenetic location: 10q22.2.
Variant type: Microsatellite.
Coding change: c.3349_3350del on transcript NM_012330.4 (MANE Select); coding-DNA positions 3349 to 3350, 2 bases deleted (CA; older notation c.3349_3350delCA).
Protein change: p.Gln1117fs; shifts the reading frame from glutamine 1117.
Molecular consequence: frameshift variant.
Genome position (GRCh38, 1-based): chr10:75,022,208-75,022,209, CA deleted; deleting any 2 consecutive bases within chr10:75,022,206-75,022,209 gives the same sequence; the c. name uses the placement nearest the transcript's 3' end. VCF-style (leftmost placement, unchanged base first): chr10-75022205-CCA-C. GRCh37 (hg19) VCF-style: chr10-76781963-CCA-C.
Other names: c.3349_3350del (NM_012330.3); c.2800_2801del, p.Gln934fs (NM_001256468.2, NM_001370138.1); c.2473_2474del, p.Gln825fs (NM_001256469.2, NM_001370139.1, NM_001370140.1 and 2 more transcripts); c.2311_2312del, p.Gln771fs (NM_001370132.1); c.1660_1661del, p.Gln554fs (NM_001370133.1); c.1264_1265del, p.Gln422fs (NM_001370134.1); c.1006_1007del, p.Gln336fs (NM_001370135.1); c.3349_3350del, p.Gln1117fs (NM_001370136.1, NM_001370137.1); and 1 more; short protein forms Q1117fs, Q336fs, Q422fs, Q554fs, Q762fs, Q771fs, Q825fs, Q934fs.
Identifiers: ClinVar variation 992857 (VCV000992857.8), dbSNP rs2549171488, ClinGen allele CA2573332601.